The following is an entry in ClinVar:

NM_001369.3(DNAH5):c.521C>G (p.Pro174Arg)

Gene: DNAH5 (dynein axonemal heavy chain 5; minus strand). Cytogenetic location: 5p15.2.
Variant type: single nucleotide variant.
Coding change: c.521C>G on transcript NM_001369.3 (MANE Select); coding-DNA position 521, C replaced by G.
Protein change: p.Pro174Arg; replaces proline 174 with arginine.
Molecular consequence: missense variant.
Genome position (GRCh38, 1-based): chr5:13,922,246, G>C on the plus strand (C>G on the coding strand, the complement: DNAH5 is on the minus strand). VCF-style: chr5-13922246-G-C. GRCh37 (hg19) VCF-style: chr5-13922355-G-C.
Other names: short protein forms P174R.
Identifiers: ClinVar variation 1746150 (VCV001746150.2), dbSNP rs1777391853, ClinGen allele CA359222924.

ClinVar aggregate classification (germline): Uncertain significance (1 of 4 stars; one submission).

Conditions:
Primary ciliary dyskinesia. Also called: Ciliary dyskinesia. Identifiers: Orphanet 244, MedGen C0008780, MONDO:0016575, HP:0012265.

Submission:

Ambry Genetics
Classification: Uncertain significance for Primary ciliary dyskinesia. Last evaluated: 2022-06-12. Review status: criteria provided, single submitter. Criteria: Ambry Variant Classification Scheme 2023. Collection method: clinical testing. Allele origin: germline.
Comment: The p.P174R variant (also known as c.521C>G), located in coding exon 5 of the DNAH5 gene, results from a C to G substitution at nucleotide position 521. The proline at codon 174 is replaced by arginine, an amino acid with dissimilar properties. This amino acid position is conserved. In addition, the in silico prediction for this alteration is inconclusive. Since supporting evidence is limited at this time, the clinical significance of this alteration remains unclear.